The following is an entry in ClinVar:

ClinVar aggregate classification (germline): Uncertain significance. Review status: criteria provided, multiple submitters, no conflicts (2 of 4 stars). 2 submissions from 2 submitters: Uncertain significance (2). Last evaluated 2024-06-11.

Conditions:
Charcot-Marie-Tooth disease axonal type 2O. Also called: CHARCOT-MARIE-TOOTH NEUROPATHY, AXONAL, TYPE 2O; CHARCOT-MARIE-TOOTH DISEASE, AXONAL, AUTOSOMAL DOMINANT, TYPE 2O; Charcot-Marie-Tooth Neuropathy Type 2O; Charcot-Marie-Tooth disease, axonal, type 20. Identifiers: Orphanet 284232, MedGen C3280220, MONDO:0013644, OMIM 614228.

Submissions (2):

GeneDx
Classification: Uncertain significance. Last evaluated: 2024-06-11. Review status: criteria provided, single submitter. Criteria: GeneDx Variant Classification Process June 2021. Collection method: clinical testing. Allele origin: germline. Affected: yes.
Comment: Not observed at significant frequency in large population cohorts (gnomAD); In silico analysis indicates that this missense variant does not alter protein structure/function; Has not been previously published as pathogenic or benign to our knowledge; This variant is associated with the following publications: (PMID: 25512093, 25609763, 26100331)

Labcorp Genetics (formerly Invitae), Labcorp
Classification: Uncertain significance for Charcot-Marie-Tooth disease axonal type 2O. Last evaluated: 2023-12-02. Review status: criteria provided, single submitter. Criteria: Invitae Variant Classification Sherloc (09022015). Collection method: clinical testing. Allele origin: germline.
Comment: This sequence change replaces alanine, which is neutral and non-polar, with threonine, which is neutral and polar, at codon 3235 of the DYNC1H1 protein (p.Ala3235Thr). This variant is not present in population databases (gnomAD no frequency). This variant has not been reported in the literature in individuals affected with DYNC1H1-related conditions. Advanced modeling of protein sequence and biophysical properties (such as structural, functional, and spatial information, amino acid conservation, physicochemical variation, residue mobility, and thermodynamic stability) has been performed at Invitae for this missense variant, however the output from this modeling did not meet the statistical confidence thresholds required to predict the impact of this variant on DYNC1H1 protein function. In summary, the available evidence is currently insufficient to determine the role of this variant in disease. Therefore, it has been classified as a Variant of Uncertain Significance.

NM_001376.5(DYNC1H1):c.9703G>A (p.Ala3235Thr)

Gene: DYNC1H1 (dynein cytoplasmic 1 heavy chain 1; plus strand). Cytogenetic location: 14q32.31.
Variant type: single nucleotide variant.
Coding change: c.9703G>A on transcript NM_001376.5 (MANE Select); coding-DNA position 9703, G replaced by A.
Protein change: p.Ala3235Thr; replaces alanine 3235 with threonine.
Molecular consequence: missense variant.
Genome position (GRCh38, 1-based): chr14:102,029,879, G>A. VCF-style: chr14-102029879-G-A. GRCh37 (hg19) VCF-style: chr14-102496216-G-A.
Other names: short protein forms A3235T.
Identifiers: ClinVar variation 2700524 (VCV002700524.4), dbSNP rs199966256, ClinGen allele CA391016885.